The following is an entry in ClinVar:

ClinVar aggregate classification (germline): Uncertain significance. Review status: criteria provided, multiple submitters, no conflicts (2 of 4 stars). 3 submissions from 3 submitters: Uncertain significance (3). Last evaluated 2025-03-25.

Conditions:
Hereditary cancer-predisposing syndrome. Also called: Neoplastic Syndromes, Hereditary; Tumor predisposition; Hereditary Cancer Syndrome; Hereditary neoplastic syndrome. Identifiers: Orphanet 140162, MedGen C0027672, MeSH D009386, MONDO:0015356.

Submissions (3):

Ambry Genetics
Classification: Uncertain significance for Hereditary cancer-predisposing syndrome. Last evaluated: 2025-03-25. Review status: criteria provided, single submitter. Criteria: Ambry Variant Classification Scheme 2023. Collection method: clinical testing. Allele origin: germline.
Comment: The p.H67N variant (also known as c.199C>A), located in coding exon 2 of the POLE gene, results from a C to A substitution at nucleotide position 199. The histidine at codon 67 is replaced by asparagine, an amino acid with similar properties. This amino acid position is highly conserved in available vertebrate species. In addition, this alteration is predicted to be tolerated by in silico analysis. Based on the available evidence, the clinical significance of this variant remains unclear.

Labcorp Genetics (formerly Invitae), Labcorp
Classification: Uncertain significance. Last evaluated: 2024-01-24. Review status: criteria provided, single submitter. Criteria: Invitae Variant Classification Sherloc (09022015). Collection method: clinical testing. Allele origin: germline.
Comment: This sequence change replaces histidine, which is basic and polar, with asparagine, which is neutral and polar, at codon 67 of the POLE protein (p.His67Asn). This variant is not present in population databases (gnomAD no frequency). This variant has not been reported in the literature in individuals affected with POLE-related conditions. ClinVar contains an entry for this variant (Variation ID: 473501). Advanced modeling of protein sequence and biophysical properties (such as structural, functional, and spatial information, amino acid conservation, physicochemical variation, residue mobility, and thermodynamic stability) performed at Invitae indicates that this missense variant is not expected to disrupt POLE protein function with a negative predictive value of 80%. In summary, the available evidence is currently insufficient to determine the role of this variant in disease. Therefore, it has been classified as a Variant of Uncertain Significance.

GeneDx
Classification: Uncertain significance. Last evaluated: 2023-01-11. Review status: criteria provided, single submitter. Criteria: GeneDx Variant Classification Process June 2021. Collection method: clinical testing. Allele origin: germline. Affected: yes.
Comment: Not observed at significant frequency in large population cohorts (gnomAD); In silico analysis supports that this missense variant has a deleterious effect on protein structure/function; Has not been previously published as pathogenic or benign to our knowledge

NM_006231.4(POLE):c.199C>A (p.His67Asn)

Gene: POLE (DNA polymerase epsilon, catalytic subunit; minus strand). Cytogenetic location: 12q24.33.
Variant type: single nucleotide variant.
Coding change: c.199C>A on transcript NM_006231.4 (MANE Select); coding-DNA position 199, C replaced by A.
Protein change: p.His67Asn; replaces histidine 67 with asparagine.
Molecular consequence: missense variant.
Genome position (GRCh38, 1-based): chr12:132,681,143, G>T on the plus strand (C>A on the coding strand, the complement: POLE is on the minus strand). VCF-style: chr12-132681143-G-T. GRCh37 (hg19) VCF-style: chr12-133257729-G-T.
Other names: c.199C>A (NM_006231.2); short protein forms H67N.
Identifiers: ClinVar variation 473501 (VCV000473501.11), dbSNP rs1555230392, ClinGen allele CA387369610.
Genomic context (GRCh38, chr12:132,681,143, plus strand): 5'-ATGACCAGAAGGGTTGCAGCCATATTCCTGGGTGGGAGAAGGACCTAGTGCTTACAGGAT[G>T]CATGTTAATGAGCCAGCCTGTCTTCTCACCAGGCTCCTTCAGCCGCTCAAAACCAAACCG-3'
Protein context (NP_006222.2, residues 57-77): GEKTGWLINM[His67Asn]PTEILDEDKR